The following is an entry in ClinVar:

NM_000552.5(VWF):c.3553G>A (p.Glu1185Lys)

Gene: VWF (von Willebrand factor; minus strand). Cytogenetic location: 12p13.31.
Variant type: single nucleotide variant.
Coding change: c.3553G>A on transcript NM_000552.5 (MANE Select); coding-DNA position 3553, G replaced by A.
Protein change: p.Glu1185Lys; replaces glutamic acid 1185 with lysine.
Molecular consequence: missense variant.
Genome position (GRCh38, 1-based): chr12:6,022,021, C>T on the plus strand (G>A on the coding strand, the complement: VWF is on the minus strand). VCF-style: chr12-6022021-C-T. GRCh37 (hg19) VCF-style: chr12-6131187-C-T.
Other names: short protein forms E1185K.
Identifiers: ClinVar variation 3766216 (VCV003766216.1).

ClinVar aggregate classification (germline): Uncertain significance (1 of 4 stars; one submission).

Submission:

GeneDx
Classification: Uncertain significance. Last evaluated: 2024-08-25. Review status: criteria provided, single submitter. Criteria: GeneDx Variant Classification Process June 2021. Collection method: clinical testing. Allele origin: germline. Affected: yes.
Comment: Not observed at significant frequency in large population cohorts (gnomAD); In silico analysis supports that this missense variant has a deleterious effect on protein structure/function; Has not been previously published as pathogenic or benign to our knowledge